The following is an entry in ClinVar:

NM_033026.6(PCLO):c.4786G>T (p.Glu1596Ter)

Gene: PCLO (piccolo presynaptic cytomatrix protein; minus strand). Cytogenetic location: 7q21.11.
Variant type: single nucleotide variant.
Coding change: c.4786G>T on transcript NM_033026.6 (MANE Select); coding-DNA position 4786, G replaced by T.
Protein change: p.Glu1596Ter; replaces glutamic acid 1596 with a stop codon.
Molecular consequence: nonsense.
Genome position (GRCh38, 1-based): chr7:82,956,167, C>A on the plus strand (G>T on the coding strand, the complement: PCLO is on the minus strand). VCF-style: chr7-82956167-C-A. GRCh37 (hg19) VCF-style: chr7-82585483-C-A.
Other names: c.4786G>T, p.Glu1596Ter (NM_014510.3); short protein forms E1596*.
Identifiers: ClinVar variation 1361359 (VCV001361359.6), dbSNP rs2115573262, ClinGen allele CA367925975.
Genomic context (GRCh38, chr7:82,956,167, plus strand): 5'-TACTTTTTCGAGTCAGTCGTCTGTGTTTCCCTGCTGTTATTTTGCCTTTTCCCTTTGTTT[C>A]TTCCTTCTTCTGGCTCTCAGTACTGCTACTAATCTCTTTGAGCTGGTTTCTGATGAACTC-3'

ClinVar aggregate classification (germline): Pathogenic (1 of 4 stars; one submission).

Submission:

Labcorp Genetics (formerly Invitae), Labcorp
Classification: Pathogenic. Last evaluated: 2025-07-06. Review status: criteria provided, single submitter. Criteria: Invitae Variant Classification Sherloc (09022015). Collection method: clinical testing. Allele origin: germline.
Comment: This sequence change creates a premature translational stop signal (p.Glu1596*) in the PCLO gene. It is expected to result in an absent or disrupted protein product. Loss-of-function variants in PCLO are known to be pathogenic (PMID: 25832664, 30287594). This variant is not present in population databases (gnomAD no frequency). This variant has not been reported in the literature in individuals affected with PCLO-related conditions. ClinVar contains an entry for this variant (Variation ID: 1361359). For these reasons, this variant has been classified as Pathogenic.

Literature cited by the submitters: PubMed 25832664; PubMed 30287594.